The following is an entry in ClinVar:

NM_152564.5(VPS13B):c.8200C>T (p.Arg2734Trp)

Gene: VPS13B (vacuolar protein sorting 13 homolog B; plus strand). Cytogenetic location: 8q22.2.
Variant type: single nucleotide variant.
Coding change: c.8200C>T on transcript NM_152564.5 (MANE Select); coding-DNA position 8200, C replaced by T.
Protein change: p.Arg2734Trp; replaces arginine 2734 with tryptophan.
Molecular consequence: missense variant.
Genome position (GRCh38, 1-based): chr8:99,817,642, C>T. VCF-style: chr8-99817642-C-T. GRCh37 (hg19) VCF-style: chr8-100829870-C-T.
Other names: c.8200C>T (NM_152564.4); c.8275C>T, p.Arg2759Trp (NM_017890.5); short protein forms R2734W, R2759W.
Identifiers: ClinVar variation 1416834 (VCV001416834.8), dbSNP rs749023338, ClinGen allele CA4824406.
Genomic context (GRCh38, chr8:99,817,642, plus strand): 5'-CAAAGCATAGAACTAAAAGTCGTTCAGCATTACATTGGTCAAGATGGACAAGCTGTAGTT[C>T]GGGAACATTTTGACTGCCTCACAGCCAAACAGAAATTGCCTTCGTACATACTAGAAAACA-3'
Protein context (NP_689777.3, residues 2724-2744): YIGQDGQAVV[Arg2734Trp]EHFDCLTAKQ

ClinVar aggregate classification (germline): Uncertain significance. Review status: criteria provided, multiple submitters, no conflicts (2 of 4 stars). 2 submissions from 2 submitters: Uncertain significance (2). Last evaluated 2025-08-19.

Conditions:
Cohen syndrome (COH1). Also called: PEPPER SYNDROME; Cutis verticis gyrata, retinitis pigmentosa, and sensorineural deafness. Identifiers: Orphanet 193, MedGen C0265223, MONDO:0008999, OMIM 216550.
VPS13B-related disorder. Also called: VPS13B-related condition.

Allele frequency attached by ClinVar (database versions not stated): gnomAD exomes below 0.00001 and 0.00001; ExAC 0.00002; gnomAD 0.00002; TOPMed 0.00003.
gnomAD v4.1: 9 of 1,613,852 alleles (0.00056%); highest among the groups gnomAD compares: Admixed American, 0.0017%; no homozygotes.

Submissions (2):

PreventionGenetics, part of Exact Sciences
Classification: Uncertain significance for VPS13B-related condition. Last evaluated: 2025-08-19. Review status: criteria provided, single submitter. Criteria: ACMG Guidelines, 2015. Collection method: clinical testing. Allele origin: germline.
Comment: The VPS13B c.8200C>T variant is predicted to result in the amino acid substitution p.Arg2734Trp. To our knowledge, this variant has not been reported in the literature. This variant is reported in 0.0050% of alleles in individuals of East Asian descent in gnomAD. At this time, the clinical significance of this variant is uncertain due to the absence of conclusive functional and genetic evidence.

Labcorp Genetics (formerly Invitae), Labcorp
Classification: Uncertain significance for Cohen syndrome. Last evaluated: 2025-01-06. Review status: criteria provided, single submitter. Criteria: Invitae Variant Classification Sherloc (09022015). Collection method: clinical testing. Allele origin: germline.
Comment: This sequence change replaces arginine, which is basic and polar, with tryptophan, which is neutral and slightly polar, at codon 2759 of the VPS13B protein (p.Arg2759Trp). This variant is present in population databases (rs749023338, gnomAD 0.005%). This variant has not been reported in the literature in individuals affected with VPS13B-related conditions. ClinVar contains an entry for this variant (Variation ID: 1416834). Invitae Evidence Modeling of protein sequence and biophysical properties (such as structural, functional, and spatial information, amino acid conservation, physicochemical variation, residue mobility, and thermodynamic stability) indicates that this missense variant is not expected to disrupt VPS13B protein function with a negative predictive value of 80%. In summary, the available evidence is currently insufficient to determine the role of this variant in disease. Therefore, it has been classified as a Variant of Uncertain Significance.